The following is an entry in ClinVar:

ClinVar aggregate classification (germline): Uncertain significance (1 of 4 stars; one submission).

Conditions:
Inborn genetic diseases. Identifiers: MedGen C0950123, MeSH D030342.

Allele frequency attached by ClinVar (database versions not stated): TOPMed below 0.00001.

Submission:

Ambry Genetics
Classification: Uncertain significance for Inborn genetic diseases. Last evaluated: 2022-05-03. Review status: criteria provided, single submitter. Criteria: Ambry Variant Classification Scheme 2023. Collection method: clinical testing. Allele origin: germline.
Comment: The p.T1640I variant (also known as c.4919C>T), located in coding exon 28 of the ATR gene, results from a C to T substitution at nucleotide position 4919. The threonine at codon 1640 is replaced by isoleucine, an amino acid with similar properties. This amino acid position is conserved. In addition, this alteration is predicted to be tolerated by in silico analysis. Since supporting evidence is limited at this time, the clinical significance of this alteration remains unclear.

NM_001184.4(ATR):c.4919C>T (p.Thr1640Ile)

Gene: ATR (ATR checkpoint kinase; minus strand). Cytogenetic location: 3q23.
Variant type: single nucleotide variant.
Coding change: c.4919C>T on transcript NM_001184.4 (MANE Select); coding-DNA position 4919, C replaced by T.
Protein change: p.Thr1640Ile; replaces threonine 1640 with isoleucine.
Molecular consequence: missense variant.
Genome position (GRCh38, 1-based): chr3:142,508,043, G>A on the plus strand (C>T on the coding strand, the complement: ATR is on the minus strand). VCF-style: chr3-142508043-G-A. GRCh37 (hg19) VCF-style: chr3-142226885-G-A.
Other names: c.4727C>T, p.Thr1576Ile (NM_001354579.2); short protein forms T1576I, T1640I.
Identifiers: ClinVar variation 1744096 (VCV001744096.2), dbSNP rs2032346327, ClinGen allele CA354820766.